The following is an entry in ClinVar:

ClinVar aggregate classification (germline): Uncertain significance (1 of 4 stars; one submission).

Submission:

GeneDx
Classification: Uncertain significance. Last evaluated: 2025-03-03. Review status: criteria provided, single submitter. Criteria: GeneDx Variant Classification Process June 2021. Collection method: clinical testing. Allele origin: germline. Affected: yes.
Comment: Not observed at significant frequency in large population cohorts (gnomAD); In silico analysis supports that this missense variant has a deleterious effect on protein structure/function; Has not been previously published as pathogenic or benign to our knowledge

NM_000540.3(RYR1):c.12715G>T (p.Asp4239Tyr)

Gene: RYR1 (ryanodine receptor 1; plus strand). Cytogenetic location: 19q13.2.
Variant type: single nucleotide variant.
Coding change: c.12715G>T on transcript NM_000540.3 (MANE Select); coding-DNA position 12715, G replaced by T.
Protein change: p.Asp4239Tyr; replaces aspartic acid 4239 with tyrosine.
Molecular consequence: missense variant.
Genome position (GRCh38, 1-based): chr19:38,565,049, G>T. VCF-style: chr19-38565049-G-T. GRCh37 (hg19) VCF-style: chr19-39055689-G-T.
Other names: c.12700G>T, p.Asp4234Tyr (NM_001042723.2); short protein forms D4234Y, D4239Y.
Identifiers: ClinVar variation 4082959 (VCV004082959.1).